The following is an entry in ClinVar:

ClinVar aggregate classification (germline): Pathogenic. Review status: criteria provided, single submitter (1 of 4 stars). 2 submissions from 2 submitters: Pathogenic (1). 1 of the submissions does not count toward it. Last evaluated 2023-09-21.
ClinVar aggregate classification (somatic clinical impact): Tier I - Strong (1 of 4 stars; one submission).
ClinVar aggregate classification (oncogenicity): Likely oncogenic (1 of 4 stars; one submission).

Conditions:
Vascular malformation. Also called: Vascular malformations. Identifiers: MedGen C0158570, MONDO:0024291.
Vascular Malformations and Overgrowth.
IDH-wildtype glioblastoma. Identifiers: MedGen CN372125, MONDO:0850335.
Neoplasm. Also called: Neoplasms; Neoplasm (disease); tumor. Identifiers: MedGen C0027651, MeSH D009369, MONDO:0005070, HP:0002664.

Submissions (4):

Center for Genomic Medicine, Rigshospitalet, Copenhagen University Hospital
Classification: Likely oncogenic for Neoplasm. Last evaluated: 2025-12-29. Review status: criteria provided, single submitter. Criteria: ClinGen/CGC/VICC Guidelines for Oncogenicity, 2022. Collection method: clinical testing. Allele origin: somatic. Affected: yes.

Institute for Genomic Medicine (IGM) Clinical Laboratory, Nationwide Children's Hospital
Classification: Tier I - Strong for IDH-wildtype glioblastoma. Assertion type: diagnostic. Clinical significance: supports diagnosis. Last evaluated: 2024-08-30. Review status: criteria provided, single submitter. Criteria: AMP/ASCO/CAP Guidelines, 2017. Collection method: clinical testing. Allele origin: somatic. Affected: yes.
Comment: Variant has Tier I (strong) clinical significance as a diagnostic inclusion criterion in IDH-wildtype glioblastoma, based on the following evidence: 1) Documented in one or more cancer databases (e.g., St. Jude Pecan, COSMIC, CIViC, OncoKB). 2) Appears in one or more well-established professional guidelines (e.g., World Health Organization [WHO]; National Comprehensive Cancer Network [NCCN]) as providing diagnostic, prognostic, or therapeutic information. 3) Information in the literature supports potential biologic effect of variant (PMIDs: 19915146, 19962665). 4) Diagnostic for a specific tumor type/classification based on well-powered studies with expert-level consensus (Evidence Level B; PMIDs: 24120142, 30333046, 30710203, 28912153, 28966033, 35332262).

Clinical Genomics Laboratory, Washington University in St. Louis
Classification: Pathogenic for Vascular malformation. Last evaluated: 2023-09-21. Review status: criteria provided, single submitter. Criteria: ACMG Guidelines, 2015. Collection method: clinical testing. Allele origin: somatic. Affected: yes.
Comment: The PIK3R1 c.1690A>G (p.Asn564Asp) variant was identified at an allelic fraction consistent with somatic origin. It has been identified in numerous individuals with vascular anomalies and overgrowth (Cottrell et al., PMID: 34040190). This variant has been reported as a pathogenic somatic variant by a single submitter (ClinVar ID: 376261). It also has been reported in 55 cases in the cancer database (COSMIC ID: COSV57124003). PIK3R1 c.1690A>G (p.Asn564Asp) is absent from the general population (gnomAD v.3.1.2), indicating it is not a common variant. This variant resides within the helical domain, amino acids 525-696, of phosphatidylinositol 3-Kinase (PI3K) protein complex that is defined as a critical functional domain (Huang CH et al., PMID: 18079394). The PIK3R1 is a gene that has a low rate of benign missense variation and where pathogenic missense variants are a common mechanism of disease (Cottrell et al., PMID: 34040190). Functional patient-derived cells studies show that this asparagine substitution at codon 564 leads to autonomous phosphorylation of AKT and activation of the downstream AKT-mTOR signaling, indicating that this variant impacts protein function (Jaiswal BS et al., PMID: 19962665; Urick ME et al., PMID: 21478295). Based on an internally-developed protocol informed by the ACMG/AMP guidelines (Richards S et al., PMID: 25741868) and gene-specific practices from the ClinGen Criteria Specification Registry, the PIK3R1 c.1690A>G (p.Asn564Asp) variant is classified as pathogenic.

Institute for Genomic Medicine (IGM) Clinical Laboratory, Nationwide Children's Hospital
Classification: Pathogenic for Vascular Malformations and Overgrowth. Last evaluated: 2020-11-08. Review status: no assertion criteria provided. Collection method: research. Allele origin: somatic. Affected: yes. Not counted in ClinVar's aggregate classification.
Comment: This alteration is both well-represented in cancer as identified in the COSMIC database with >=20 documented instances and also considered to occur in a statistically significant hotspot or region according to an online resource database [PS_CANCER], is of apparent somatic mosaic etiology with strong supporting evidence including no discernible strand bias, in a region absent of repetition and sequence homology, with clean, high-quality reads, having a variant allele fraction >= 3% [PS2], is supported by well-established models demonstrating downstream impact of the variant on RNA structure, gene expression, or protein function [PS3], is at increased prevalence in our cohort, with >= 5 occurrences in unrelated individuals [PS4_Mod], and is a missense variant in a gene that has a low rate of benign missense variation and in which missense variants are a common mechanism of disease [PP2].

Literature cited by the submitters: PubMed 26807692 (cited by Center for Genomic Medicine, Rigshospitalet, Copenhagen University Hospital); PubMed 24367658 (cited by Center for Genomic Medicine, Rigshospitalet, Copenhagen University Hospital); PubMed 19915146 (cited by Institute for Genomic Medicine (IGM) Clinical Laboratory, Nationwide Children's Hospital); PubMed 19962665 (cited by Institute for Genomic Medicine (IGM) Clinical Laboratory, Nationwide Children's Hospital); PubMed 24120142 (cited by Institute for Genomic Medicine (IGM) Clinical Laboratory, Nationwide Children's Hospital); PubMed 30333046 (cited by Institute for Genomic Medicine (IGM) Clinical Laboratory, Nationwide Children's Hospital); PubMed 30710203 (cited by Institute for Genomic Medicine (IGM) Clinical Laboratory, Nationwide Children's Hospital); PubMed 28912153 (cited by Institute for Genomic Medicine (IGM) Clinical Laboratory, Nationwide Children's Hospital); PubMed 28966033 (cited by Institute for Genomic Medicine (IGM) Clinical Laboratory, Nationwide Children's Hospital); PubMed 35332262 (cited by Institute for Genomic Medicine (IGM) Clinical Laboratory, Nationwide Children's Hospital).

NM_181523.3(PIK3R1):c.1690A>G (p.Asn564Asp)

Gene: PIK3R1 (phosphoinositide-3-kinase regulatory subunit 1; plus strand). Cytogenetic location: 5q13.1.
Variant type: single nucleotide variant.
Coding change: c.1690A>G on transcript NM_181523.3 (MANE Select); coding-DNA position 1690, A replaced by G.
Protein change: p.Asn564Asp; replaces asparagine 564 with aspartic acid.
Molecular consequence: missense variant.
Genome position (GRCh38, 1-based): chr5:68,295,269, A>G. VCF-style: chr5-68295269-A-G. GRCh37 (hg19) VCF-style: chr5-67591097-A-G.
Other names: c.601A>G, p.Asn201Asp (NM_001242466.2); c.880A>G, p.Asn294Asp (NM_181504.4); c.790A>G, p.Asn264Asp (NM_181524.2); short protein forms N564D, N294D, N201D, N264D.
Identifiers: ClinVar variation 376261 (VCV000376261.9), dbSNP rs1057519841, ClinGen allele CA16602710.